The following is an entry in ClinVar:

NM_001080517.3(SETD5):c.3334G>T (p.Ala1112Ser)

Gene: SETD5 (SET domain containing 5; plus strand). Cytogenetic location: 3p25.3.
Variant type: single nucleotide variant.
Coding change: c.3334G>T on transcript NM_001080517.3 (MANE Select); coding-DNA position 3334, G replaced by T.
Protein change: p.Ala1112Ser; replaces alanine 1112 with serine.
Molecular consequence: missense variant.
Genome position (GRCh38, 1-based): chr3:9,473,374, G>T. VCF-style: chr3-9473374-G-T. GRCh37 (hg19) VCF-style: chr3-9515058-G-T.
Other names: c.3040G>T, p.Ala1014Ser (NM_001292043.2, NM_001349451.2); c.3334G>T (NM_001080517.1); short protein forms A1014S, A1112S.
Identifiers: ClinVar variation 3613139 (VCV003613139.3).

ClinVar aggregate classification (germline): Uncertain significance. Review status: criteria provided, multiple submitters, no conflicts (2 of 4 stars). 2 submissions from 2 submitters: Uncertain significance (2). Last evaluated 2026-04-09.

Conditions:
Inborn genetic diseases. Identifiers: MedGen C0950123, MeSH D030342.

gnomAD v4.1: 1 of 1,613,962 alleles (0.000062%); highest among the groups gnomAD compares: Non-Finnish European, 0.000085%; no homozygotes.

Submissions (2):

Ambry Genetics
Classification: Uncertain significance for Inborn genetic diseases. Last evaluated: 2026-04-09. Review status: criteria provided, single submitter. Criteria: Ambry Variant Classification Scheme 2023. Collection method: clinical testing. Allele origin: germline.

Labcorp Genetics (formerly Invitae), Labcorp
Classification: Uncertain significance. Last evaluated: 2024-03-18. Review status: criteria provided, single submitter. Criteria: Invitae Variant Classification Sherloc (09022015). Collection method: clinical testing. Allele origin: germline.
Comment: This sequence change replaces alanine, which is neutral and non-polar, with serine, which is neutral and polar, at codon 1112 of the SETD5 protein (p.Ala1112Ser). This variant is not present in population databases (gnomAD no frequency). This variant has not been reported in the literature in individuals affected with SETD5-related conditions. Advanced modeling of protein sequence and biophysical properties (such as structural, functional, and spatial information, amino acid conservation, physicochemical variation, residue mobility, and thermodynamic stability) performed at Invitae indicates that this missense variant is not expected to disrupt SETD5 protein function with a negative predictive value of 80%. In summary, the available evidence is currently insufficient to determine the role of this variant in disease. Therefore, it has been classified as a Variant of Uncertain Significance.